The following is an entry in ClinVar:

NM_000303.3(PMM2):c.640G>A (p.Gly214Ser)

Gene: PMM2 (phosphomannomutase 2; plus strand). Cytogenetic location: 16p13.2.
Variant type: single nucleotide variant.
Coding change: c.640G>A on transcript NM_000303.3 (MANE Select); coding-DNA position 640, G replaced by A.
Protein change: p.Gly214Ser; replaces glycine 214 with serine.
Molecular consequence: missense variant.
Genome position (GRCh38, 1-based): chr16:8,847,724, G>A. VCF-style: chr16-8847724-G-A. GRCh37 (hg19) VCF-style: chr16-8941581-G-A.
Other names: short protein forms G214S.
Identifiers: ClinVar variation 553503 (VCV000553503.19), dbSNP rs1555453238, ClinGen allele CA394689325.
Genomic context (GRCh38, chr16:8,847,724, plus strand): 5'-ATCAGCAATGGCCCGGGACAGACGAGGGGGAGCCTTCATCTGTACTTCGTGTCTTTCCAG[G>A]GTGGCAATGACCATGAGATCTTCACAGACCCCAGAACCATGGGCTACTCCGTGACAGCGC-3'
Protein context (NP_000294.1, residues 204-224): IYFFGDKTMP[Gly214Ser]GNDHEIFTDP

ClinVar aggregate classification (germline): Pathogenic/Likely pathogenic. Review status: criteria provided, multiple submitters, no conflicts (2 of 4 stars). 9 submissions from 9 submitters: Pathogenic (4); Likely pathogenic (4). 1 of the submissions does not count toward it. Last evaluated 2026-01-25.

Conditions:
PMM2-related disorder. Also called: PMM2-related condition.
PMM2-congenital disorder of glycosylation. Also called: PMM2-CDG; CARBOHYDRATE-DEFICIENT GLYCOPROTEIN SYNDROME, TYPE Ia; Congenital disorder of glycosylation, type Ia; CDG Ia; JAEKEN SYNDROME; PHOSPHOMANNOMUTASE 2 DEFICIENCY. Identifiers: Orphanet 79318, MedGen C0349653, MONDO:0008907, OMIM 212065.

Allele frequency attached by ClinVar (database versions not stated): gnomAD exomes below 0.00001.
gnomAD v4.1: 4 of 1,610,882 alleles (0.00025%); highest among the groups gnomAD compares: Non-Finnish European, 0.00034%; no homozygotes.

Submissions (9):

Natera, Inc.
Classification: Likely pathogenic for Congenital disorder of glycosylation type 1a. Last evaluated: 2026-01-25. Review status: criteria provided, single submitter. Criteria: Natera Variant Classification Schema (03/2026). Collection method: clinical testing. Allele origin: germline.
Comment: The c.640G>A variant in PMM2 is a missense variant predicted to cause substitution of glycine to serine at amino acid 214. This variant is rare in the general population with a frequency below the threshold expected for the associated phenotype(s). This variant has been observed in one or more individuals affected with the associated recessive disease, as either homozygous or compound heterozygous with a second variant (PMID: 34420056, 15844218, 32635232, 25497157, 12357336). Computational prediction algorithms indicate this variant is likely to affect gene or protein function. Given the available evidence, this variant is classified as Likely Pathogenic.

PreventionGenetics, part of Exact Sciences
Classification: Likely pathogenic for PMM2-related condition. Last evaluated: 2025-02-25. Review status: criteria provided, single submitter. Criteria: ACMG Guidelines, 2015. Collection method: clinical testing. Allele origin: germline.
Comment: The PMM2 c.640G>A variant is predicted to result in the amino acid substitution p.Gly214Ser. This variant has been reported in the compound heterozygous state with a pathogenic variant in individuals with congenital disorders of glycosylation type Ia (Family 29, Le Bizec et al. 2005. PubMed ID: 15844218; Vicario et al. 2017. PubMed ID: 28807751). Alternate nucleotide substitution affecting the same amino acid (c.640G>C, pGly214Arg) has been reported in an individual with congenital disorders of glycosylation type Ia (Wang et al. 2019. PubMed ID: 30687093). This variant has not been reported in a large population database (gnomAD), indicating this variant is rare. This variant is interpreted as likely pathogenic.

Blueprint Genetics
Classification: Pathogenic for PMM2-related disorders. Last evaluated: 2024-07-05. Review status: criteria provided, single submitter. Criteria: ACMG Guidelines, 2015. Collection method: clinical testing. Allele origin: germline. Affected: yes. Observed: 2 variant alleles.

GeneDx
Classification: Likely pathogenic. Last evaluated: 2024-05-17. Review status: criteria provided, single submitter. Criteria: GeneDx Variant Classification Process June 2021. Collection method: clinical testing. Allele origin: germline. Affected: yes.
Comment: Not observed at significant frequency in large population cohorts (gnomAD); In silico analysis supports that this missense variant has a deleterious effect on protein structure/function; In silico analysis is inconclusive as to whether the variant alters gene splicing. In the absence of RNA/functional studies, the actual effect of this sequence change is unknown.; This variant is associated with the following publications: (PMID: 12357336, 28807751)

Labcorp Genetics (formerly Invitae), Labcorp
Classification: Pathogenic for PMM2-congenital disorder of glycosylation. Last evaluated: 2023-08-10. Review status: criteria provided, single submitter. Criteria: Invitae Variant Classification Sherloc (09022015). Collection method: clinical testing. Allele origin: germline.
Comment: For these reasons, this variant has been classified as Pathogenic. This variant disrupts the p.Gly214 amino acid residue in PMM2. Other variant(s) that disrupt this residue have been observed in individuals with PMM2-related conditions (PMID: 30687093), which suggests that this may be a clinically significant amino acid residue. Algorithms developed to predict the effect of sequence changes on RNA splicing suggest that this variant may disrupt the consensus splice site. An algorithm developed to predict the effect of missense changes on protein structure and function (PolyPhen-2) suggests that this variant is likely to be disruptive. ClinVar contains an entry for this variant (Variation ID: 553503). This missense change has been observed in individual(s) with congenital disorder of glycosylation type 1a (PMID: 12357336, 25497157, 28807751). This variant is not present in population databases (gnomAD no frequency). This sequence change replaces glycine, which is neutral and non-polar, with serine, which is neutral and polar, at codon 214 of the PMM2 protein (p.Gly214Ser).

Institute of Human Genetics, Heidelberg University
Classification: Likely pathogenic for PMM2-congenital disorder of glycosylation. Last evaluated: 2021-08-23. Review status: criteria provided, single submitter. Criteria: ACMG Guidelines, 2015. Collection method: clinical testing. Allele origin: maternal. Affected: yes.

Centre for Mendelian Genomics, University Medical Centre Ljubljana
Classification: Pathogenic for PMM2-congenital disorder of glycosylation. Last evaluated: 2020-03-30. Review status: criteria provided, single submitter. Criteria: ACMG Guidelines, 2015. Collection method: clinical testing. Allele origin: unknown. Affected: yes.
Comment: This variant was classified as: Pathogenic. The following ACMG criteria were applied in classifying this variant: PS1,PM1,PM2,PP2,PP3,PP5.

Mendelics
Classification: Pathogenic for PMM2-congenital disorder of glycosylation. Last evaluated: 2019-05-28. Review status: criteria provided, single submitter. Criteria: Mendelics Assertion Criteria 2017. Collection method: clinical testing. Allele origin: unknown.

Counsyl
Classification: Uncertain significance for PMM2-congenital disorder of glycosylation. Last evaluated: 2017-08-22. Review status: no assertion criteria provided. Collection method: clinical testing. Allele origin: unknown. Not counted in ClinVar's aggregate classification.

Literature cited by the submitters: PubMed 34420056 (cited by Natera, Inc.); PubMed 15844218 (cited by Natera, Inc. and Counsyl); PubMed 32635232 (cited by Natera, Inc.); PubMed 25497157 (cited by 3 submitters); PubMed 12357336 (cited by 3 submitters); PubMed 30687093 (cited by Labcorp Genetics (formerly Invitae), Labcorp); PubMed 28807751 (cited by Labcorp Genetics (formerly Invitae), Labcorp and Counsyl).